The following is an entry in ClinVar:

NM_004958.4(MTOR):c.232T>C (p.Ser78Pro)

Gene: MTOR (mechanistic target of rapamycin kinase; minus strand). Cytogenetic location: 1p36.22.
Variant type: single nucleotide variant.
Coding change: c.232T>C on transcript NM_004958.4 (MANE Select); coding-DNA position 232, T replaced by C.
Protein change: p.Ser78Pro; replaces serine 78 with proline.
Molecular consequence: missense variant. On other transcripts: 5 prime UTR variant (1).
Genome position (GRCh38, 1-based): chr1:11,258,524, A>G on the plus strand (T>C on the coding strand, the complement: MTOR is on the minus strand). VCF-style: chr1-11258524-A-G. GRCh37 (hg19) VCF-style: chr1-11318581-A-G.
Other names: c.232T>C, p.Ser78Pro (NM_001386500.1); c.-908T>C (NM_001386501.1); short protein forms S78P.
Identifiers: ClinVar variation 1470794 (VCV001470794.8), dbSNP rs1391848499, ClinGen allele CA338404770.

ClinVar aggregate classification (germline): Uncertain significance (1 of 4 stars; one submission).

Allele frequency attached by ClinVar (database versions not stated): gnomAD exomes below 0.00001; TOPMed below 0.00001; gnomAD 0.00001.
gnomAD v4.1: 3 of 1,614,022 alleles (0.00019%); highest among the groups gnomAD compares: African/African-American, 0.004%; no homozygotes.

Submission:

Labcorp Genetics (formerly Invitae), Labcorp
Classification: Uncertain significance. Last evaluated: 2024-04-25. Review status: criteria provided, single submitter. Criteria: Invitae Variant Classification Sherloc (09022015). Collection method: clinical testing. Allele origin: germline.
Comment: This sequence change replaces serine, which is neutral and polar, with proline, which is neutral and non-polar, at codon 78 of the MTOR protein (p.Ser78Pro). This variant is present in population databases (no rsID available, gnomAD 0.02%). This variant has not been reported in the literature in individuals affected with MTOR-related conditions. ClinVar contains an entry for this variant (Variation ID: 1470794). Advanced modeling of protein sequence and biophysical properties (such as structural, functional, and spatial information, amino acid conservation, physicochemical variation, residue mobility, and thermodynamic stability) performed at Invitae indicates that this missense variant is not expected to disrupt MTOR protein function with a negative predictive value of 95%. In summary, the available evidence is currently insufficient to determine the role of this variant in disease. Therefore, it has been classified as a Variant of Uncertain Significance.